The following continues an entry in ClinVar:

NM_000059.4(BRCA2):c.8905G>A (p.Val2969Met)

Gene: BRCA2. ClinVar aggregate classification (germline): Benign. Benign (1).

Submissions 24 to 25 of 25:

Department of Pathology and Laboratory Medicine, Sinai Health System
Classification: Uncertain significance for Malignant tumor of breast. Review status: no assertion criteria provided. Collection method: clinical testing. Allele origin: unknown. Affected: yes. Study: The Canadian Open Genetics Repository (COGR). Not counted in ClinVar's aggregate classification.
Comment: The BRCA2 p.Val2969Met variant was identified in 6 of 9554 proband chromosomes (frequency: 0.001) from individuals or families with hereditary breast and ovarian cancer and was not identified in 80 control chromosomes from healthy individuals (Akbari 2011, Borg 2010, Soegaard 2008, Stegel 2011, Kluska 2015). The variant was also identified in dbSNP (ID: rs59004709) as â€šÃ„Ãºotherâ€šÃ„Ã¹, Clinvitae database (as benign), Fanconi Anemia Mutation Database -LOVD (3x, as predicted neutral 2x and predicted deleterious 1x), LOVD-IARC database (as not pathogenic), ARUP Laboratories BRCA Mutations Database (as not pathogenic), the ClinVar database (as benign, reviewed by an expert panel), GeneInsight COGR database (as â€šÃ„Ãºbenignâ€šÃ„Ã¹, â€šÃ„Ãºlikely benignâ€šÃ„Ã¹, and â€šÃ„Ãºunknown significanceâ€šÃ„Ã¹, by clinical laboratories), the BIC database (24x with unknown clinical importance), and UMD (23x with a â€šÃ„Ãºlikely neutralâ€šÃ„Ã¹ classification). This variant was identified in the 1000 Genomes Project in 3 of 5000 chromosomes (frequency: 0.0006), NHLBI GO Exome Sequencing Project in 2 of 8600 European American alleles and 1 of 4406 African American alleles, and in the Exome Aggregation Consortium database (March 14, 2016) in 49 of 120422 chromosomes (freq. 0.0004) in the following populations: European (Non-Finnish) in 41 of 66196 chromosomes (freq. 0.0006), European (Finnish) in 4 of 6614 chromosomes (freq. 0.0006), and African in 4 of 10180 chromosomes (freq. 0.0004), but was not seen in East Asian, Latino, South Asian and other populations, increasing the likelihood this could be a low frequency benign variant. There is conflicting information in the literature. Two in-silico functional studies suggest this variant is predicted neutral (Easton 2007, Lindor 2012), while two others suggest the variant is likely deleterious (Karchin 2008, Kluska 2015). The p.Val2969 residue is conserved in mammals and computational analyses (PolyPhen-2, SIFT, AlignGVGD, BLOSUM, MutationTaster) provide inconsistent predictions regarding the impact to the protein; this information is not very predictive of pathogenicity. The variant occurs outside of the splicing consensus sequence and in silico or computational prediction software programs (SpliceSiteFinder, MaxEntScan, NNSPLICE, GeneSplicer, HumanSpliceFinder) do not predict a difference in splicing. In summary, based on the above information, the clinical significance of this variant cannot be determined with certainty at this time. This variant is classified as a variant of uncertain significance.

Joint Genome Diagnostic Labs from Nijmegen and Maastricht, Radboudumc and MUMC+
Classification: Benign. Review status: no assertion criteria provided. Collection method: clinical testing. Allele origin: germline. Affected: yes. Study: VKGL Data-share Consensus. Not counted in ClinVar's aggregate classification.

Literature cited by the submitters: PubMed 21990134 (cited by Evidence-based Network for the Interpretation of Germline Mutant Alleles (ENIGMA)); PubMed 17924331 (cited by Sema4 and Counsyl); PubMed 9971877 (cited by Counsyl); PubMed 19043619 (cited by Counsyl).